The following is an entry in ClinVar:

NM_152564.5(VPS13B):c.7699G>A (p.Val2567Met)

Gene: VPS13B (vacuolar protein sorting 13 homolog B; plus strand). Cytogenetic location: 8q22.2.
Variant type: single nucleotide variant.
Coding change: c.7699G>A on transcript NM_152564.5 (MANE Select); coding-DNA position 7699, G replaced by A.
Protein change: p.Val2567Met; replaces valine 2567 with methionine.
Molecular consequence: missense variant.
Genome position (GRCh38, 1-based): chr8:99,778,951, G>A. VCF-style: chr8-99778951-G-A. GRCh37 (hg19) VCF-style: chr8-100791179-G-A.
Other names: c.7774G>A, p.Val2592Met (NM_017890.5); c.7774G>A (NM_017890.3); short protein forms V2567M, V2592M.
Identifiers: ClinVar variation 3354202 (VCV003354202.4).

ClinVar aggregate classification (germline): Conflicting classifications of pathogenicity. Review status: criteria provided, conflicting classifications (1 of 4 stars). 3 submissions from 3 submitters: Uncertain significance (2); Likely benign (1). Last evaluated 2026-05-12.

Conditions:
VPS13B-related disorder. Also called: VPS13B-related condition.
Inborn genetic diseases. Identifiers: MedGen C0950123, MeSH D030342.

gnomAD v4.1: 26 of 1,613,900 alleles (0.0016%); highest among the groups gnomAD compares: East Asian, 0.0089%; no homozygotes.

Submissions (3):

PreventionGenetics, part of Exact Sciences
Classification: Uncertain significance for VPS13B-related condition. Last evaluated: 2026-05-12. Review status: criteria provided, single submitter. Criteria: ACMG Guidelines, 2015. Collection method: clinical testing. Allele origin: germline.
Comment: The VPS13B c.7699G>A variant is predicted to result in the amino acid substitution p.Val2567Met. To our knowledge, this variant has not been reported in the literature. This variant is reported in 0.011% of alleles in individuals of East Asian descent in gnomAD. At this time, the clinical significance of this variant is uncertain due to the absence of conclusive functional and genetic evidence.

Ambry Genetics
Classification: Uncertain significance for Inborn genetic diseases. Last evaluated: 2025-09-01. Review status: criteria provided, single submitter. Criteria: Ambry Variant Classification Scheme 2023. Collection method: clinical testing. Allele origin: germline.

Blueprint Genetics
Classification: Likely benign. Last evaluated: 2023-01-24. Review status: criteria provided, single submitter. Criteria: ACMG Guidelines, 2015. Collection method: clinical testing. Allele origin: germline.